The following is an entry in ClinVar:

ClinVar aggregate classification (germline): Uncertain significance (1 of 4 stars; one submission).

Conditions:
Neuronal ceroid lipofuscinosis. Also called: Neuronal Ceroid Lipofuscinoses. Identifiers: Orphanet 216, Orphanet 79263, MedGen C0027877, MONDO:0016295. Disease mechanism: loss of function.

Submission:

Labcorp Genetics (formerly Invitae), Labcorp
Classification: Uncertain significance for Neuronal ceroid lipofuscinosis. Last evaluated: 2023-11-27. Review status: criteria provided, single submitter. Criteria: Invitae Variant Classification Sherloc (09022015). Collection method: clinical testing. Allele origin: germline.
Comment: This sequence change replaces lysine, which is basic and polar, with threonine, which is neutral and polar, at codon 201 of the CLN6 protein (p.Lys201Thr). This variant is not present in population databases (gnomAD no frequency). This variant has not been reported in the literature in individuals affected with CLN6-related conditions. ClinVar contains an entry for this variant (Variation ID: 1448979). Advanced modeling of protein sequence and biophysical properties (such as structural, functional, and spatial information, amino acid conservation, physicochemical variation, residue mobility, and thermodynamic stability) performed at Invitae indicates that this missense variant is not expected to disrupt CLN6 protein function with a negative predictive value of 80%. In summary, the available evidence is currently insufficient to determine the role of this variant in disease. Therefore, it has been classified as a Variant of Uncertain Significance.

NM_017882.3(CLN6):c.602A>C (p.Lys201Thr)

Gene: CLN6 (CLN6 transmembrane ER protein; minus strand). Cytogenetic location: 15q23.
Variant type: single nucleotide variant.
Coding change: c.602A>C on transcript NM_017882.3 (MANE Select); coding-DNA position 602, A replaced by C.
Protein change: p.Lys201Thr; replaces lysine 201 with threonine.
Molecular consequence: missense variant.
Genome position (GRCh38, 1-based): chr15:68,209,700, T>G on the plus strand (A>C on the coding strand, the complement: CLN6 is on the minus strand). VCF-style: chr15-68209700-T-G. GRCh37 (hg19) VCF-style: chr15-68502038-T-G.
Other names: short protein forms K201T.
Identifiers: ClinVar variation 1448979 (VCV001448979.4), dbSNP rs2141137255, ClinGen allele CA392972911.
Genomic context (GRCh38, chr15:68,209,700, plus strand): 5'-TAGTACAGGCCACTGGGTGCCACCAGGAGCAGGGCAGGCCCTGGAATCAAGCTCTCAGCT[T>G]TAGAGGCAGTAAAGCAGCCGCTGAAGTACATGAAGAGGATGAGGAAGAAGGGGATGTACC-3'
Protein context (NP_060352.1, residues 191-211): MYFSGCFTAS[Lys201Thr]AESLIPGPAL